The following is an entry in ClinVar:

NM_000101.4(CYBA):c.107G>A (p.Trp36Ter)

Gene: CYBA (cytochrome b-245 alpha chain; minus strand). Cytogenetic location: 16q24.2.
Variant type: single nucleotide variant.
Coding change: c.107G>A on transcript NM_000101.4 (MANE Select); coding-DNA position 107, G replaced by A.
Protein change: p.Trp36Ter; replaces tryptophan 36 with a stop codon.
Molecular consequence: nonsense.
Genome position (GRCh38, 1-based): chr16:88,648,066, C>T on the plus strand (G>A on the coding strand, the complement: CYBA is on the minus strand). VCF-style: chr16-88648066-C-T. GRCh37 (hg19) VCF-style: chr16-88714474-C-T.
Other names: short protein forms W36*.
Identifiers: ClinVar variation 2736377 (VCV002736377.4), dbSNP rs2507533282, ClinGen allele CA397065912.
Genomic context (GRCh38, chr16:88,648,066, plus strand): 5'-GGCGTTCCCCGCCCACCCCAGCCTCAGGTGGAAGGATACATGGAGTAGGCACCAAAGTAC[C>T]ACTGGGTGAAGCGCCCAGCTGTGGCCACGATGCCCCCGGTGATGAGGACTGCGGGGAGAA-3'

ClinVar aggregate classification (germline): Pathogenic. Review status: criteria provided, multiple submitters, no conflicts (2 of 4 stars). 2 submissions from 2 submitters: Pathogenic (2). Last evaluated 2024-05-14.

Conditions:
Granulomatous disease, chronic, autosomal recessive, cytochrome b-negative. Also called: CGD DUE TO DEFICIENCY OF THE ALPHA SUBUNIT OF CYTOCHROME b; CGD, AUTOSOMAL RECESSIVE CYTOCHROME b-NEGATIVE; CYBA DEFICIENCY; GRANULOMATOUS DISEASE, CHRONIC, AUTOSOMAL RECESSIVE, 4; Chronic granulomatous disease, autosomal, due to deficiency of CYBA. Identifiers: Orphanet 379, MedGen C1856255, MONDO:0009308, OMIM 233690.

Submissions (2):

Myriad Genetics, Inc.
Classification: Pathogenic for Granulomatous disease, chronic, autosomal recessive, cytochrome b-negative. Last evaluated: 2024-05-14. Review status: criteria provided, single submitter. Criteria: Myriad Autosomal Dominant, Autosomal Recessive and X-Linked Classification Criteria (2023). Collection method: clinical testing. Allele origin: unknown.
Comment: NM_000101.3(CYBA):c.107G>A(W36*) is expected to be pathogenic in the context of chronic granulomatous disease, CYBA-related. This variant is predicted to lead to an abnormal or absent protein product due to the creation of a premature termination codon in CYBA, a gene where loss-of-function variants are known to be pathogenic. Please note: this variant was assessed in the context of healthy population screening.

Labcorp Genetics (formerly Invitae), Labcorp
Classification: Pathogenic for Granulomatous disease, chronic, autosomal recessive, cytochrome b-negative. Last evaluated: 2023-09-12. Review status: criteria provided, single submitter. Criteria: Invitae Variant Classification Sherloc (09022015). Collection method: clinical testing. Allele origin: germline.
Comment: For these reasons, this variant has been classified as Pathogenic. Algorithms developed to predict the effect of sequence changes on RNA splicing suggest that this variant may disrupt the consensus splice site. This premature translational stop signal has been observed in individual(s) with chronic granulomatous disease (PMID: 10910929). This variant is not present in population databases (gnomAD no frequency). This sequence change creates a premature translational stop signal (p.Trp36*) in the CYBA gene. It is expected to result in an absent or disrupted protein product. Loss-of-function variants in CYBA are known to be pathogenic (PMID: 10910929, 20167518, 22876374).

Literature cited by the submitters: PubMed 10910929 (cited by Labcorp Genetics (formerly Invitae), Labcorp); PubMed 20167518 (cited by Labcorp Genetics (formerly Invitae), Labcorp); PubMed 22876374 (cited by Labcorp Genetics (formerly Invitae), Labcorp).